The following is an entry in ClinVar:

NM_000458.4(HNF1B):c.1460T>G (p.Met487Arg)

Gene: HNF1B (HNF1 homeobox B; minus strand). Cytogenetic location: 17q12.
Variant type: single nucleotide variant.
Coding change: c.1460T>G on transcript NM_000458.4 (MANE Select); coding-DNA position 1460, T replaced by G.
Protein change: p.Met487Arg; replaces methionine 487 with arginine.
Molecular consequence: missense variant. On other transcripts: intron variant (1).
Genome position (GRCh38, 1-based): chr17:37,701,057, A>C on the plus strand (T>G on the coding strand, the complement: HNF1B is on the minus strand). VCF-style: chr17-37701057-A-C. GRCh37 (hg19) VCF-style: chr17-36061062-A-C.
Other names: c.1382T>G, p.Met461Arg (NM_001165923.4); c.1460T>G, p.Met487Arg (NM_001411100.1); c.1261+3860T>G (NM_001304286.2); short protein forms M461R, M487R.
Identifiers: ClinVar variation 2696331 (VCV002696331.2), dbSNP rs1568638262, ClinGen allele CA398755271.

ClinVar aggregate classification (germline): Uncertain significance (1 of 4 stars; one submission).

Allele frequency attached by ClinVar (database versions not stated): TOPMed below 0.00001.
gnomAD v4.1: 32 of 1,555,382 alleles (0.0021%); highest among the groups gnomAD compares: Non-Finnish European, 0.0028%; no homozygotes.

Submission:

Labcorp Genetics (formerly Invitae), Labcorp
Classification: Uncertain significance. Last evaluated: 2023-01-07. Review status: criteria provided, single submitter. Criteria: Invitae Variant Classification Sherloc (09022015). Collection method: clinical testing. Allele origin: germline.
Comment: Advanced modeling of protein sequence and biophysical properties (such as structural, functional, and spatial information, amino acid conservation, physicochemical variation, residue mobility, and thermodynamic stability) performed at Invitae indicates that this missense variant is not expected to disrupt HNF1B protein function. In summary, the available evidence is currently insufficient to determine the role of this variant in disease. Therefore, it has been classified as a Variant of Uncertain Significance. This variant has not been reported in the literature in individuals affected with HNF1B-related conditions. This variant is present in population databases (no rsID available, gnomAD 0.002%). This sequence change replaces methionine, which is neutral and non-polar, with arginine, which is basic and polar, at codon 487 of the HNF1B protein (p.Met487Arg).